The following is an entry in ClinVar:

ClinVar aggregate classification (germline): Uncertain significance (1 of 4 stars; one submission).

Conditions:
Cone-rod dystrophy 6 (CORD6). Also called: RETINAL CONE DYSTROPHY 2; Cone dystrophy progressive. Identifiers: Orphanet 1872, MedGen C1866293, MONDO:0011143, OMIM 601777.
Leber congenital amaurosis 1 (LCA1). Also called: RETINAL BLINDNESS, CONGENITAL; AMAUROSIS CONGENITA OF LEBER I; Congenital absence of the rods and cones; Leber's congenital tapetoretinal degeneration; Leber's congenital tapetoretinal dysplasia. Identifiers: Orphanet 65, MedGen C2931258, MONDO:0008764, OMIM 204000.

Allele frequency attached by ClinVar (database versions not stated): TOPMed below 0.00001; gnomAD 0.00001; ExAC 0.00002; gnomAD exomes 0.00002 and 0.00004; 1000 Genomes Project 30x 0.00016; 1000 Genomes Project 0.00020.
gnomAD v4.1: 51 of 1,614,144 alleles (0.0032%); highest among the groups gnomAD compares: Non-Finnish European, 0.0038%; no homozygotes.

Submission:

Labcorp Genetics (formerly Invitae), Labcorp
Classification: Uncertain significance for Leber congenital amaurosis 1; Cone-rod dystrophy 6. Last evaluated: 2023-10-17. Review status: criteria provided, single submitter. Criteria: Invitae Variant Classification Sherloc (09022015). Collection method: clinical testing. Allele origin: germline.
Comment: This sequence change replaces arginine, which is basic and polar, with glutamine, which is neutral and polar, at codon 812 of the GUCY2D protein (p.Arg812Gln). This variant is present in population databases (rs201388569, gnomAD 0.004%). This variant has not been reported in the literature in individuals affected with GUCY2D-related conditions. ClinVar contains an entry for this variant (Variation ID: 1487513). Advanced modeling of protein sequence and biophysical properties (such as structural, functional, and spatial information, amino acid conservation, physicochemical variation, residue mobility, and thermodynamic stability) performed at Invitae indicates that this missense variant is not expected to disrupt GUCY2D protein function. In summary, the available evidence is currently insufficient to determine the role of this variant in disease. Therefore, it has been classified as a Variant of Uncertain Significance.

NM_000180.4(GUCY2D):c.2435G>A (p.Arg812Gln)

Gene: GUCY2D (guanylate cyclase 2D, retinal; plus strand). Cytogenetic location: 17p13.1.
Variant type: single nucleotide variant.
Coding change: c.2435G>A on transcript NM_000180.4 (MANE Select); coding-DNA position 2435, G replaced by A.
Protein change: p.Arg812Gln; replaces arginine 812 with glutamine.
Molecular consequence: missense variant.
Genome position (GRCh38, 1-based): chr17:8,014,623, G>A. VCF-style: chr17-8014623-G-A. GRCh37 (hg19) VCF-style: chr17-7917941-G-A.
Other names: short protein forms R812Q.
Identifiers: ClinVar variation 1487513 (VCV001487513.6), dbSNP rs201388569, ClinGen allele CA8366132.